The following is an entry in ClinVar:

ClinVar aggregate classification (germline): Pathogenic. Review status: criteria provided, multiple submitters, no conflicts (2 of 4 stars). 3 submissions from 3 submitters: Pathogenic (3). Last evaluated 2023-04-10.

Conditions:
Cystic fibrosis (CF). Also called: MUCOVISCIDOSIS. Identifiers: Orphanet 586, MedGen C0010674, MONDO:0009061, OMIM 219700. Disease mechanism: loss of function.
CFTR-related disorder (CFTR-RD). Also called: CFTR-related disorders; CFTR-related condition. Identifiers: MedGen C5924204, MONDO:7770004.

Submissions (3):

Servicio Canario de Salud, Hospital Universitario Nuestra Sra. de Candelaria
Classification: Pathogenic for Cystic fibrosis. Last evaluated: 2023-04-10. Review status: criteria provided, single submitter. Criteria: ACMG Guidelines, 2015. Collection method: clinical testing. Allele origin: biparental. Inheritance: Autosomal recessive inheritance. Affected: yes. Observed: 3 compound heterozygotes.
Comment: It has been previously reported in patients with cystic fibrosis (PMID: 30389601, 11379874). This variant is not present in population databases (gnomAD no frequency). ClinVar contains an entry for this variant (Variation ID: 818113). An experimental study has been carried out in which they demonstrate that this variant creates a 118bp pseudo-exon, which generates a new splicing site, giving rise to a premature stop codon and the possibility of synthesis of a truncated CFTR protein (PMID: 30389601). In the 3 individuals, the synonymous variant c.627A>G (p.Ala209=) was identified in the same allele (cis configuration), with confirmation in asymptomatic parents. In summary, c.2989-313A>T variant meets our criteria to be classified as pathogenic for cystic fibrosis in an autosomal recessive manner based upon experimental evidence and its identification in numerous affected individuals.

Labcorp Genetics (formerly Invitae), Labcorp
Classification: Pathogenic for Cystic fibrosis. Last evaluated: 2022-10-04. Review status: criteria provided, single submitter. Criteria: Invitae Variant Classification Sherloc (09022015). Collection method: clinical testing. Allele origin: germline.
Comment: ClinVar contains an entry for this variant (Variation ID: 818113). This sequence change falls in intron 18 of the CFTR gene. It does not directly change the encoded amino acid sequence of the CFTR protein. The frequency data for this variant in the population databases is considered unreliable, as metrics indicate insufficient coverage at this position in the gnomAD database. This variant has been observed in individual(s) with cystic fibrosis (PMID: 30389601). In at least one individual the data is consistent with being in trans (on the opposite chromosome) from a pathogenic variant. Studies have shown that this variant is associated with altered splicing resulting in multiple RNA products (PMID: 30389601). For these reasons, this variant has been classified as Pathogenic.

CFTR-France
Classification: Pathogenic for cystic fibrosis; CFTR-related disorders. Last evaluated: 2018-01-29. Review status: criteria provided, single submitter. Criteria: Claustres M et al. (Hum Mutat 2017). Collection method: curation. Allele origin: germline. Affected: yes.
Comment: when the variant is in trans with another CF-causing variation, can either result in CF or in a CFTR-RD

Literature cited by the submitters: PubMed 30389601 (cited by Servicio Canario de Salud, Hospital Universitario Nuestra Sra. de Candelaria and Labcorp Genetics (formerly Invitae), Labcorp); PubMed 11379874 (cited by Servicio Canario de Salud, Hospital Universitario Nuestra Sra. de Candelaria).

NM_000492.4(CFTR):c.2989-313A>T

Genes: CFTR (CF transmembrane conductance regulator; plus strand), CFTR-AS2 (CFTR antisense RNA 2; minus strand), LOC111674472 (DNase I hypersensitive sites in introns 16 and 17a of CFTR; plus strand). Cytogenetic location: 7q31.2.
Variant type: single nucleotide variant.
Coding change: c.2989-313A>T on transcript NM_000492.4 (MANE Select); 313 bases into the intron before coding-DNA position 2989, A replaced by T.
Molecular consequence: intron variant.
Genome position (GRCh38, 1-based): chr7:117,610,206, A>T. VCF-style: chr7-117610206-A-T. GRCh37 (hg19) VCF-style: chr7-117250260-A-T.
Identifiers: ClinVar variation 818113 (VCV000818113.9), dbSNP rs1584821306, ClinGen allele CA915945434.